The following is an entry in ClinVar:

NM_017841.4(SDHAF2):c.83T>G (p.Val28Gly)

Gene: SDHAF2 (succinate dehydrogenase complex assembly factor 2; plus strand). Cytogenetic location: 11q12.2.
Variant type: single nucleotide variant.
Coding change: c.83T>G on transcript NM_017841.4 (MANE Select); coding-DNA position 83, T replaced by G.
Protein change: p.Val28Gly; replaces valine 28 with glycine.
Molecular consequence: missense variant.
Genome position (GRCh38, 1-based): chr11:61,437,671, T>G. VCF-style: chr11-61437671-T-G. GRCh37 (hg19) VCF-style: chr11-61205143-T-G.
Other names: short protein forms V28G.
Identifiers: ClinVar variation 952850 (VCV000952850.12), dbSNP rs1590764751, ClinGen allele CA380682957.

ClinVar aggregate classification (germline): Uncertain significance. Review status: criteria provided, multiple submitters, no conflicts (2 of 4 stars). 3 submissions from 3 submitters: Uncertain significance (3). Last evaluated 2025-12-14.

Conditions:
Hereditary cancer-predisposing syndrome. Also called: Hereditary neoplastic syndrome; Hereditary Cancer Syndrome; Tumor predisposition; Neoplastic Syndromes, Hereditary. Identifiers: Orphanet 140162, MedGen C0027672, MeSH D009386, MONDO:0015356.
Hereditary pheochromocytoma and paraganglioma. Also called: Hereditary pheochromocytoma-paraganglioma; Hereditary Paraganglioma-Pheochromocytoma Syndromes; Hereditary paragangliomas and pheochromocytomas. Identifiers: Orphanet 29072, MedGen C4274332, MONDO:0017366.

Allele frequency attached by ClinVar (database versions not stated): gnomAD exomes below 0.00001.
gnomAD v4.1: 1 of 1,614,230 alleles (0.000062%); highest among the groups gnomAD compares: Non-Finnish European, 0.000085%; no homozygotes.

Submissions (3):

Labcorp Genetics (formerly Invitae), Labcorp
Classification: Uncertain significance for Hereditary pheochromocytoma and paraganglioma. Last evaluated: 2025-12-14. Review status: criteria provided, single submitter. Criteria: Invitae Variant Classification Sherloc (09022015). Collection method: clinical testing. Allele origin: germline.
Comment: This sequence change replaces valine, which is neutral and non-polar, with glycine, which is neutral and non-polar, at codon 28 of the SDHAF2 protein (p.Val28Gly). This variant is not present in population databases (gnomAD no frequency). This variant has not been reported in the literature in individuals affected with SDHAF2-related conditions. ClinVar contains an entry for this variant (Variation ID: 952850). An algorithm developed to predict the effect of missense changes on protein structure and function outputs the following: PolyPhen-2: "Benign". The glycine amino acid residue is found in multiple mammalian species, which suggests that this missense change does not adversely affect protein function. In summary, the available evidence is currently insufficient to determine the role of this variant in disease. Therefore, it has been classified as a Variant of Uncertain Significance.

All of Us Research Program, National Institutes of Health
Classification: Uncertain significance for Hereditary pheochromocytoma and paraganglioma. Last evaluated: 2023-12-13. Review status: criteria provided, single submitter. Criteria: ACMG Guidelines, 2015. Collection method: clinical testing. Allele origin: germline. Inheritance: Autosomal dominant inheritance. Observed: 1 variant allele, 1 heterozygote.
Comment: This missense variant replaces valine with glycine at codon 28 of the SDHAF2 protein. Computational prediction suggests that this variant may not impact protein structure and function (internally defined REVEL score threshold <= 0.5, PMID: 27666373). To our knowledge, functional studies have not been reported for this variant. This variant has not been reported in individuals affected with SDHAF2-related disorders in the literature. This variant has not been identified in the general population by the Genome Aggregation Database (gnomAD). The available evidence is insufficient to determine the role of this variant in disease conclusively. Therefore, this variant is classified as a Variant of Uncertain Significance.

This study involves interpretation of variants in research participants for the purpose of population health screening. Participant phenotype was not available at the time of variant classification. Additional details can be found in publication PMID: 35346344, PMCID: PMC8962531

Ambry Genetics
Classification: Uncertain significance for Hereditary cancer-predisposing syndrome. Last evaluated: 2023-07-13. Review status: criteria provided, single submitter. Criteria: Ambry Variant Classification Scheme 2023. Collection method: clinical testing. Allele origin: germline.
Comment: The p.V28G variant (also known as c.83T>G), located in coding exon 2 of the SDHAF2 gene, results from a T to G substitution at nucleotide position 83. The valine at codon 28 is replaced by glycine, an amino acid with dissimilar properties. This amino acid position is conserved. In addition, this alteration is predicted to be tolerated by in silico analysis. Since supporting evidence is limited at this time, the clinical significance of this alteration remains unclear.